The following is an entry in ClinVar:

ClinVar aggregate classification (germline): Likely benign. Review status: criteria provided, single submitter (1 of 4 stars). 2 submissions from 2 submitters: Likely benign (1). 1 of the submissions does not count toward it. Last evaluated 2025-01-06.

Conditions:
TBL1XR1-related disorder. Also called: TBL1XR1-related condition; TBL1XR1-related disorders. Identifiers: MedGen CN382633, MONDO:1060313.
Pierpont syndrome (PRPTS). Identifiers: Orphanet 487825, MedGen C1865644, MONDO:0011213, OMIM 602342.

Submissions (2):

Labcorp Genetics (formerly Invitae), Labcorp
Classification: Likely benign for Pierpont syndrome. Last evaluated: 2025-01-06. Review status: criteria provided, single submitter. Criteria: Invitae Variant Classification Sherloc (09022015). Collection method: clinical testing. Allele origin: germline.

PreventionGenetics, part of Exact Sciences
Classification: Likely benign for TBL1XR1-related condition. Last evaluated: 2021-11-03. Review status: no assertion criteria provided. Collection method: clinical testing. Allele origin: germline. Not counted in ClinVar's aggregate classification.
Comment: This variant is classified as likely benign based on ACMG/AMP sequence variant interpretation guidelines (Richards et al. 2015 PMID: 25741868, with internal and published modifications).

NM_024665.7(TBL1XR1):c.780C>T (p.Ser260=)

Genes: TBL1XR1 (TBL1X/Y related 1; minus strand), TBL1XR1-AS1 (TBL1XR1 antisense RNA 1; plus strand). Cytogenetic location: 3q26.32.
Variant type: single nucleotide variant.
Coding change: c.780C>T on transcript NM_024665.7 (MANE Select); coding-DNA position 780, C replaced by T.
Protein change: p.Ser260=; no amino-acid change (serine 260 retained).
Molecular consequence: synonymous variant.
Genome position (GRCh38, 1-based): chr3:177,047,384, G>A on the plus strand (C>T on the coding strand, the complement: TBL1XR1 is on the minus strand). VCF-style: chr3-177047384-G-A. GRCh37 (hg19) VCF-style: chr3-176765172-G-A.
Other names: c.780C>T, p.Ser260= (NM_001374327.1, NM_001374328.1, NM_001374329.1 and 2 more transcripts); c.519C>T, p.Ser173= (NM_001374330.1, NM_001321195.3); c.780C>T (NM_024665.5).
Identifiers: ClinVar variation 2975280 (VCV002975280.5), dbSNP rs1220950769, ClinGen allele CA436985707.